The following is an entry in ClinVar:

ClinVar aggregate classification (germline): Uncertain significance. Review status: criteria provided, multiple submitters, no conflicts (2 of 4 stars). 2 submissions from 2 submitters: Uncertain significance (2). Last evaluated 2026-01-19.

Conditions:
Supravalvar aortic stenosis (SVAS). Also called: Supravalvar aortic stenosis, Eisenberg type. Identifiers: Orphanet 3193, MedGen C0003499, MONDO:0008504, OMIM 185500, HP:0004381.

Allele frequency attached by ClinVar (database versions not stated): gnomAD 0.00002; gnomAD exomes 0.00002 and 0.00006; TOPMed 0.00002; ExAC 0.00011.

Submissions (2):

Labcorp Genetics (formerly Invitae), Labcorp
Classification: Uncertain significance for Supravalvar aortic stenosis. Last evaluated: 2026-01-19. Review status: criteria provided, single submitter. Criteria: Invitae Variant Classification Sherloc (09022015). Collection method: clinical testing. Allele origin: germline.
Comment: This sequence change replaces glycine, which is neutral and non-polar, with arginine, which is basic and polar, at codon 462 of the ELN protein (p.Gly462Arg). This variant is present in population databases (rs782246342, gnomAD 0.01%). This variant has not been reported in the literature in individuals affected with ELN-related conditions. ClinVar contains an entry for this variant (Variation ID: 1204804). Invitae Evidence Modeling of protein sequence and biophysical properties (such as structural, functional, and spatial information, amino acid conservation, physicochemical variation, residue mobility, and thermodynamic stability) indicates that this missense variant is not expected to disrupt ELN protein function with a negative predictive value of 80%. In summary, the available evidence is currently insufficient to determine the role of this variant in disease. Therefore, it has been classified as a Variant of Uncertain Significance.

GeneDx
Classification: Uncertain significance. Last evaluated: 2019-04-05. Review status: criteria provided, single submitter. Criteria: GeneDx Variant Classification Process June 2021. Collection method: clinical testing. Allele origin: germline. Affected: yes.
Comment: Has not been previously published as pathogenic or benign to our knowledge; In silico analysis, which includes splice predictors and evolutionary conservation, supports that this variant does not alter protein structure/function

NM_000501.4(ELN):c.1358-232G>C

Gene: ELN (elastin; plus strand). Cytogenetic location: 7q11.23.
Variant type: single nucleotide variant.
Coding change: c.1358-232G>C on transcript NM_000501.4 (MANE Select); 232 bases into the intron before coding-DNA position 1358, G replaced by C.
Molecular consequence: intron variant. On other transcripts: missense variant (1).
Genome position (GRCh38, 1-based): chr7:74,057,408, G>C. VCF-style: chr7-74057408-G-C. GRCh37 (hg19) VCF-style: chr7-73471738-G-C.
Other names: c.1384G>C, p.Gly462Arg (NM_001278939.2); c.1373-232G>C (NM_001081754.3); c.1372+695G>C (NM_001081753.3); c.1358-232G>C (NM_001278915.2, NM_001278912.2); c.1357+695G>C (NM_001081755.3); c.1315+695G>C (NM_001278916.2); c.1171+695G>C (NM_001278913.2); c.1342+695G>C (NM_001278914.2); and 3 more; short protein forms G462R.
Identifiers: ClinVar variation 1204804 (VCV001204804.8), dbSNP rs782246342, ClinGen allele CA4292981.
Genomic context (GRCh38, chr7:74,057,408, plus strand): 5'-GAGGGGCAAGGCTGAAAGTTCTCCACTCCCCGAGGTGCTGCAGGAGCAGGAGTGCTGGGT[G>C]GGCTAGTGCCAGGTGCCCCAGGCGCAGTCCCAGGTGTGCCGGGCACGGGAGGAGTGCCAG-3'